The following is an entry in ClinVar:

NM_000081.4(LYST):c.9236G>A (p.Trp3079Ter)

Gene: LYST (lysosomal trafficking regulator; minus strand). Cytogenetic location: 1q42.3.
Variant type: single nucleotide variant.
Coding change: c.9236G>A on transcript NM_000081.4 (MANE Select); coding-DNA position 9236, G replaced by A.
Protein change: p.Trp3079Ter; replaces tryptophan 3079 with a stop codon.
Molecular consequence: nonsense.
Genome position (GRCh38, 1-based): chr1:235,724,107, C>T on the plus strand (G>A on the coding strand, the complement: LYST is on the minus strand). VCF-style: chr1-235724107-C-T. GRCh37 (hg19) VCF-style: chr1-235887407-C-T.
Other names: c.9236G>A, p.Trp3079Ter (NM_001301365.1); short protein forms W3079*.
Identifiers: ClinVar variation 4732088 (VCV004732088.1).

ClinVar aggregate classification (germline): Pathogenic (1 of 4 stars; one submission).

Conditions:
Chédiak-Higashi syndrome (CHS). Also called: Chediak-Higashi Syndrome. Identifiers: Orphanet 167, MedGen C0007965, MONDO:0008963, OMIM 214500.

Submission:

Labcorp Genetics (formerly Invitae), Labcorp
Classification: Pathogenic for Chédiak-Higashi syndrome. Last evaluated: 2025-12-03. Review status: criteria provided, single submitter. Criteria: Invitae Variant Classification Sherloc (09022015). Collection method: clinical testing. Allele origin: germline.
Comment: This sequence change creates a premature translational stop signal (p.Trp3079*) in the LYST gene. It is expected to result in an absent or disrupted protein product. Loss-of-function variants in LYST are known to be pathogenic (PMID: 9215679, 11857544). This variant is not present in population databases (gnomAD no frequency). This variant has not been reported in the literature in individuals affected with LYST-related conditions. For these reasons, this variant has been classified as Pathogenic.

Literature cited by the submitters: PubMed 9215679; PubMed 11857544.